The following is an entry in ClinVar:

NM_000023.4(SGCA):c.37G>A (p.Val13Ile)

Gene: SGCA (sarcoglycan alpha; plus strand). Cytogenetic location: 17q21.33.
Variant type: single nucleotide variant.
Coding change: c.37G>A on transcript NM_000023.4 (MANE Select); coding-DNA position 37, G replaced by A.
Protein change: p.Val13Ile; replaces valine 13 with isoleucine.
Molecular consequence: missense variant. On other transcripts: non-coding transcript variant (1).
Genome position (GRCh38, 1-based): chr17:50,166,077, G>A. VCF-style: chr17-50166077-G-A. GRCh37 (hg19) VCF-style: chr17-48243438-G-A.
Other names: p.val13Ile; c.37G>A, p.Val13Ile (NM_001135697.3); short protein forms V13I.
Identifiers: ClinVar variation 1704211 (VCV001704211.3), dbSNP rs2509114033, ClinGen allele CA400210778.

ClinVar aggregate classification (germline): Uncertain significance (1 of 4 stars; one submission).

Conditions:
Autosomal recessive limb-girdle muscular dystrophy type 2D (LGMDR3). Also called: MUSCULAR DYSTROPHY, LIMB-GIRDLE, AUTOSOMAL RECESSIVE 3; ADHALINOPATHY, PRIMARY; DUCHENNE-LIKE AUTOSOMAL RECESSIVE MUSCULAR DYSTROPHY, TYPE 2. Identifiers: Orphanet 62, MedGen C2936332, MONDO:0011968, OMIM 608099. Disease mechanism: Affects gamma-sarcoglycan and also disrupts the integrity of the entire sarcoglycan complex..

Submission:

Foundation for Research in Genetics and Endocrinology, FRIGE's Institute of Human Genetics
Classification: Uncertain significance for Autosomal recessive limb-girdle muscular dystrophy type 2D. Last evaluated: 2022-02-12. Review status: criteria provided, single submitter. Criteria: ACMG Guidelines, 2015. Collection method: clinical testing. Allele origin: germline. Inheritance: Autosomal recessive inheritance. Affected: yes. Observed: 1 homozygote.
Comment: Homozygous missense variation in exon 1 of SGCA gene that result in the amino acid substitution of isoleucine for valine at codon 13 was detected. The p.Val13lle variant has not been reported in the 1000 genome and gnomAD database. The in silico prediction of the variant is benign by PolyPhen-2 ( HumDiv ),LRT,SIFT and MutationTaster2. In summary, the variant meets our criteria to be classified as variant of uncertain significance.